The following is an entry in ClinVar:

NM_024408.4(NOTCH2):c.7209T>A (p.Ser2403Arg)

Gene: NOTCH2 (notch receptor 2; minus strand). Cytogenetic location: 1p12.
Variant type: single nucleotide variant.
Coding change: c.7209T>A on transcript NM_024408.4 (MANE Select); coding-DNA position 7209, T replaced by A.
Protein change: p.Ser2403Arg; replaces serine 2403 with arginine.
Molecular consequence: missense variant.
Genome position (GRCh38, 1-based): chr1:119,915,513, A>T on the plus strand (T>A on the coding strand, the complement: NOTCH2 is on the minus strand). VCF-style: chr1-119915513-A-T. GRCh37 (hg19) VCF-style: chr1-120458136-A-T.
Other names: short protein forms S2403R.
Identifiers: ClinVar variation 134986 (VCV000134986.1), dbSNP rs587778579, ClinGen allele CA161299.

ClinVar aggregate classification (germline): not provided (0 of 4 stars; one submission).

Allele frequency attached by ClinVar (database versions not stated): gnomAD exomes below 0.00001.
gnomAD v4.1: 1 of 1,614,052 alleles (0.000062%); highest among the groups gnomAD compares: Admixed American, 0.0017%; no homozygotes.

Submission:

ITMI
No classification provided. Condition: AllHighlyPenetrant. Last evaluated: 2013-09-19. Review status: no classification provided. Collection method: reference population. Allele origin: germline.
Comment: Please see associated publication for description of ethnicities

Literature cited by the submitters: PubMed 24728327.